The following is an entry in ClinVar:

ClinVar aggregate classification (germline): Pathogenic (1 of 4 stars; one submission).

Conditions:
Developmental and epileptic encephalopathy 94 (DEE94). Also called: CHD2-Related Neurodevelopmental Disorders; Epileptic encephalopathy, childhood-onset. Identifiers: Orphanet 1942, Orphanet 2382, MedGen C3809278, MONDO:0014150, OMIM 615369.

Submission:

Labcorp Genetics (formerly Invitae), Labcorp
Classification: Pathogenic for Developmental and epileptic encephalopathy 94. Last evaluated: 2024-01-02. Review status: criteria provided, single submitter. Criteria: Invitae Variant Classification Sherloc (09022015). Collection method: clinical testing. Allele origin: germline.
Comment: This sequence change creates a premature translational stop signal (p.Glu1036*) in the CHD2 gene. It is expected to result in an absent or disrupted protein product. Loss-of-function variants in CHD2 are known to be pathogenic (PMID: 23708187, 24207121). This variant is not present in population databases (gnomAD no frequency). This variant has not been reported in the literature in individuals affected with CHD2-related conditions. ClinVar contains an entry for this variant (Variation ID: 2120227). For these reasons, this variant has been classified as Pathogenic.

Literature cited by the submitters: PubMed 23708187; PubMed 24207121.

NM_001271.4(CHD2):c.3106G>T (p.Glu1036Ter)

Gene: CHD2 (chromodomain helicase DNA binding protein 2; plus strand). Cytogenetic location: 15q26.1.
Variant type: single nucleotide variant.
Coding change: c.3106G>T on transcript NM_001271.4 (MANE Select); coding-DNA position 3106, G replaced by T.
Protein change: p.Glu1036Ter; replaces glutamic acid 1036 with a stop codon.
Molecular consequence: nonsense.
Genome position (GRCh38, 1-based): chr15:92,984,369, G>T. VCF-style: chr15-92984369-G-T. GRCh37 (hg19) VCF-style: chr15-93527599-G-T.
Other names: short protein forms E1036*.
Identifiers: ClinVar variation 2120227 (VCV002120227.4), dbSNP rs2505558868, ClinGen allele CA393895147.
Genomic context (GRCh38, chr15:92,984,369, plus strand): 5'-CAATGGGTTGTCTGTTTTAAGGTTGCCAACTTTGCAACAATGGAAGATGAAGAAGAGCTA[G>T]AAGAGCGTCCTCACAAGGACTGGGATGAGATCATTCCAGAGGAACAAAGGAAAAAAGTAG-3'